The following is an entry in ClinVar:

NM_001105206.3(LAMA4):c.1677A>G (p.Ser559=)

Gene: LAMA4 (laminin subunit alpha 4; minus strand). Cytogenetic location: 6q21.
Variant type: single nucleotide variant.
Coding change: c.1677A>G on transcript NM_001105206.3 (MANE Select); coding-DNA position 1677, A replaced by G.
Protein change: p.Ser559=; no amino-acid change (serine 559 retained).
Molecular consequence: synonymous variant.
Genome position (GRCh38, 1-based): chr6:112,158,872, T>C on the plus strand (A>G on the coding strand, the complement: LAMA4 is on the minus strand). VCF-style: chr6-112158872-T-C. GRCh37 (hg19) VCF-style: chr6-112480074-T-C.
Other names: c.1656A>G, p.Ser552= (NM_001105207.3, NM_002290.5).
Identifiers: ClinVar variation 681660 (VCV000681660.1), dbSNP rs1583752541, ClinGen allele CA451589494.

ClinVar aggregate classification (germline): Likely benign (1 of 4 stars; one submission).

Submission:

GeneDx
Classification: Likely benign. Last evaluated: 2018-04-09. Review status: criteria provided, single submitter. Criteria: GeneDx Variant Classification (06012015). Collection method: clinical testing. Allele origin: germline. Affected: yes.
Comment: This variant is considered likely benign or benign based on one or more of the following criteria: it is a conservative change, it occurs at a poorly conserved position in the protein, it is predicted to be benign by multiple in silico algorithms, and/or has population frequency not consistent with disease.